The following is an entry in ClinVar:

ClinVar aggregate classification (germline): Uncertain significance (1 of 4 stars; one submission).

Submission:

Labcorp Genetics (formerly Invitae), Labcorp
Classification: Uncertain significance. Last evaluated: 2024-01-18. Review status: criteria provided, single submitter. Criteria: Invitae Variant Classification Sherloc (09022015). Collection method: clinical testing. Allele origin: germline.
Comment: This sequence change replaces lysine, which is basic and polar, with glutamic acid, which is acidic and polar, at codon 1470 of the COL11A2 protein (p.Lys1470Glu). This variant is not present in population databases (gnomAD no frequency). This variant has not been reported in the literature in individuals affected with COL11A2-related conditions. ClinVar contains an entry for this variant (Variation ID: 1369456). Advanced modeling of protein sequence and biophysical properties (such as structural, functional, and spatial information, amino acid conservation, physicochemical variation, residue mobility, and thermodynamic stability) performed at Invitae indicates that this missense variant is not expected to disrupt COL11A2 protein function with a negative predictive value of 95%. In summary, the available evidence is currently insufficient to determine the role of this variant in disease. Therefore, it has been classified as a Variant of Uncertain Significance.

NM_080680.3(COL11A2):c.4408A>G (p.Lys1470Glu)

Gene: COL11A2 (collagen type XI alpha 2 chain; minus strand). Cytogenetic location: 6p21.32.
Variant type: single nucleotide variant.
Coding change: c.4408A>G on transcript NM_080680.3 (MANE Select); coding-DNA position 4408, A replaced by G.
Protein change: p.Lys1470Glu; replaces lysine 1470 with glutamic acid.
Molecular consequence: missense variant.
Genome position (GRCh38, 1-based): chr6:33,166,191, T>C on the plus strand (A>G on the coding strand, the complement: COL11A2 is on the minus strand). VCF-style: chr6-33166191-T-C. GRCh37 (hg19) VCF-style: chr6-33133968-T-C.
Other names: c.4087A>G, p.Lys1363Glu (NM_080679.3); c.4150A>G, p.Lys1384Glu (NM_080681.3); short protein forms K1363E, K1470E, K1384E.
Identifiers: ClinVar variation 1369456 (VCV001369456.6), dbSNP rs2150520058, ClinGen allele CA363619798.